The following is an entry in ClinVar:

NM_003803.4(MYOM1):c.4358T>C (p.Met1453Thr)

Gene: MYOM1 (myomesin 1; minus strand). Cytogenetic location: 18p11.31.
Variant type: single nucleotide variant.
Coding change: c.4358T>C on transcript NM_003803.4 (MANE Select); coding-DNA position 4358, T replaced by C.
Protein change: p.Met1453Thr; replaces methionine 1453 with threonine.
Molecular consequence: missense variant.
Genome position (GRCh38, 1-based): chr18:3,084,009, A>G on the plus strand (T>C on the coding strand, the complement: MYOM1 is on the minus strand). VCF-style: chr18-3084009-A-G. GRCh37 (hg19) VCF-style: chr18-3084007-A-G.
Other names: c.4070T>C, p.Met1357Thr (NM_019856.2); short protein forms M1453T, M1357T.
Identifiers: ClinVar variation 226823 (VCV000226823.21), dbSNP rs16944397, ClinGen allele CA8873970.

ClinVar aggregate classification (germline): Benign. Review status: criteria provided, multiple submitters, no conflicts (2 of 4 stars). 6 submissions from 6 submitters: Benign (5). 1 of the submissions does not count toward it. Last evaluated 2026-02-02.

Conditions:
Cardiovascular phenotype. Identifiers: MedGen CN230736.
MYOM1-related disorder.
Hypertrophic cardiomyopathy. Also called: HYPERTROPHIC MYOCARDIOPATHY. Identifiers: Orphanet 217569, MedGen C0007194, MeSH D002312, MONDO:0005045, HP:0001639.

Allele frequency attached by ClinVar (database versions not stated): TOPMed 0.05460; 1000 Genomes Project 0.05771; 1000 Genomes Project 30x 0.06293; gnomAD exomes 0.00511 and 0.01228; ExAC 0.02947; gnomAD 0.04752 and 0.05084; ESP Exome Variant Server 0.04795.

Submissions (6):

Labcorp Genetics (formerly Invitae), Labcorp
Classification: Benign for Hypertrophic cardiomyopathy. Last evaluated: 2026-02-02. Review status: criteria provided, single submitter. Criteria: Invitae Variant Classification Sherloc (09022015). Collection method: clinical testing. Allele origin: germline.

GeneDx
Classification: Benign. Last evaluated: 2021-05-04. Review status: criteria provided, single submitter. Criteria: GeneDx Variant Classification Process June 2021. Collection method: clinical testing. Allele origin: germline. Affected: yes.

Laboratory for Molecular Medicine, Mass General Brigham Personalized Medicine
Classification: Benign. Last evaluated: 2014-11-24. Review status: criteria provided, single submitter. Criteria: LMM Criteria. Collection method: clinical testing. Allele origin: germline. Observed: 26 variant alleles.
Comment: Met1453Thr in exon 32 of MYOM1: This variant is not expected to have clinical si gnificance because it has been identified in 15.1% (560/3712) of African America n chromosomes from a broad population by the NHLBI Exome Sequencing Project (dbSNP rs16944397).

Ambry Genetics
Classification: Benign for Cardiovascular phenotype. Last evaluated: 2012-12-10. Review status: criteria provided, single submitter. Criteria: Ambry Autosomal Dominant and X-Linked criteria (10/2015). Collection method: clinical testing. Allele origin: germline. Observed: 1 variant allele.
Comment: General population or subpopulation frequency is too high to be a pathogenic mutation based on disease/syndrome prevalence and penetrance

Breakthrough Genomics
Classification: Benign. Review status: criteria provided, single submitter. Criteria: ACMG Guidelines, 2015. Collection method: not provided. Allele origin: germline. Inheritance: Unknown mechanism. Affected: yes.

PreventionGenetics, part of Exact Sciences
Classification: Benign for MYOM1-related condition. Last evaluated: 2019-03-26. Review status: no assertion criteria provided. Collection method: clinical testing. Allele origin: germline. Not counted in ClinVar's aggregate classification.
Comment: This variant is classified as benign based on ACMG/AMP sequence variant interpretation guidelines (Richards et al. 2015 PMID: 25741868, with internal and published modifications).